The following is an entry in ClinVar:

ClinVar aggregate classification (germline): Likely pathogenic (1 of 4 stars; one submission).

Conditions:
Renal tubular acidosis, distal, 3, with or without sensorineural hearing loss (DRTA3). Identifiers: MedGen C5399980, MONDO:0011268, OMIM 602722.

gnomAD v4.1: 1 of 1,613,820 alleles (0.000062%); highest among the groups gnomAD compares: Non-Finnish European, 0.000085%; no homozygotes.

Submission:

Rare Kidney Stone Consortium and the Mayo Clinic Hyperoxaluria Center, Mayo Clinic
Classification: Likely pathogenic for Renal tubular acidosis, distal, 3, with or without sensorineural hearing loss. Last evaluated: 2025-10-03. Review status: criteria provided, single submitter. Criteria: ACMG Guidelines, 2015. Collection method: research. Allele origin: germline. Affected: yes. Observed: 1 variant allele.
Comment: ACMG:PVS1, PM2, PM6, PP4

Literature cited by the submitters: PubMed 40794449.

NM_020632.3(ATP6V0A4):c.1794G>A (p.Trp598Ter)

Gene: ATP6V0A4 (ATPase H+ transporting V0 subunit a4; minus strand). Cytogenetic location: 7q34.
Variant type: single nucleotide variant.
Coding change: c.1794G>A on transcript NM_020632.3 (MANE Select); coding-DNA position 1794, G replaced by A.
Protein change: p.Trp598Ter; replaces tryptophan 598 with a stop codon.
Molecular consequence: nonsense.
Genome position (GRCh38, 1-based): chr7:138,732,991, C>T on the plus strand (G>A on the coding strand, the complement: ATP6V0A4 is on the minus strand). VCF-style: chr7-138732991-C-T. GRCh37 (hg19) VCF-style: chr7-138417736-C-T.
Other names: c.1794G>A, p.Trp598Ter (NM_130840.3, NM_130841.3); short protein forms W598*.
Identifiers: ClinVar variation 4526840 (VCV004526840.1).